The following is an entry in ClinVar:

ClinVar aggregate classification (germline): Likely benign (1 of 4 stars; one submission).

Submission:

GeneDx
Classification: Likely benign. Last evaluated: 2020-01-16. Review status: criteria provided, single submitter. Criteria: GeneDx Variant Classification Process June 2021. Collection method: clinical testing. Allele origin: germline. Affected: yes.
Comment: See Variant Classification Assertion Criteria.

NC_000009.12:g.77177276dup

Genes: VPS13A (vacuolar protein sorting 13 homolog A; plus strand), VPS13A-AS1 (VPS13A antisense RNA 1; minus strand), LOC121331331 (Sharpr-MPRA regulatory region 12012; plus strand). Cytogenetic location: 9q21.2.
Variant type: Duplication.
Genome position: GRCh38 VCF-style: chr9-77177270-T-TG. GRCh37 (hg19) VCF-style: chr9-79792186-T-TG.
Identifiers: ClinVar variation 1703371 (VCV001703371.3), dbSNP rs201549198, ClinGen allele CA194674577.